The following is an entry in ClinVar:

ClinVar aggregate classification (germline): Uncertain significance. Review status: criteria provided, multiple submitters, no conflicts (2 of 4 stars). 3 submissions from 3 submitters: Uncertain significance (3). Last evaluated 2026-08-11.

Conditions:
SMARCE1-related disorder. Also called: SMARCE1-related condition.
Familial meningioma. Also called: Meningioma, familial, susceptibility to. Identifiers: Orphanet 263662, MedGen C3551915, MONDO:0011789, OMIM 607174.
Hereditary cancer-predisposing syndrome. Also called: Tumor predisposition; Hereditary neoplastic syndrome; Neoplastic Syndromes, Hereditary; Hereditary Cancer Syndrome. Identifiers: Orphanet 140162, MedGen C0027672, MeSH D009386, MONDO:0015356.

Submissions (3):

PreventionGenetics, part of Exact Sciences
Classification: Uncertain significance for SMARCE1-related condition. Last evaluated: 2026-08-11. Review status: criteria provided, single submitter. Criteria: ACMG Guidelines, 2015. Collection method: clinical testing. Allele origin: germline.
Comment: The SMARCE1 c.783A>T variant is predicted to result in the amino acid substitution p.Glu261Asp. To our knowledge, this variant has not been reported in the literature or in a large population database (gnomAD), indicating this variant is rare. At this time, the clinical significance of this variant is uncertain due to the absence of conclusive functional and genetic evidence.

Labcorp Genetics (formerly Invitae), Labcorp
Classification: Uncertain significance for Familial meningioma. Last evaluated: 2024-07-20. Review status: criteria provided, single submitter. Criteria: Invitae Variant Classification Sherloc (09022015). Collection method: clinical testing. Allele origin: germline.
Comment: This sequence change replaces glutamic acid, which is acidic and polar, with aspartic acid, which is acidic and polar, at codon 261 of the SMARCE1 protein (p.Glu261Asp). This variant is not present in population databases (gnomAD no frequency). This variant has not been reported in the literature in individuals affected with SMARCE1-related conditions. ClinVar contains an entry for this variant (Variation ID: 1062970). Advanced modeling of protein sequence and biophysical properties (such as structural, functional, and spatial information, amino acid conservation, physicochemical variation, residue mobility, and thermodynamic stability) performed at Invitae indicates that this missense variant is not expected to disrupt SMARCE1 protein function with a negative predictive value of 80%. In summary, the available evidence is currently insufficient to determine the role of this variant in disease. Therefore, it has been classified as a Variant of Uncertain Significance.

Ambry Genetics
Classification: Uncertain significance for Hereditary cancer-predisposing syndrome. Last evaluated: 2021-04-23. Review status: criteria provided, single submitter. Criteria: Ambry Variant Classification Scheme 2023. Collection method: clinical testing. Allele origin: germline.
Comment: The p.E261D variant (also known as c.783A>T), located in coding exon 8 of the SMARCE1 gene, results from an A to T substitution at nucleotide position 783. The glutamic acid at codon 261 is replaced by aspartic acid, an amino acid with highly similar properties. This amino acid position is highly conserved in available vertebrate species. In addition, this alteration is predicted to be tolerated by in silico analysis. Missense and in-frame variants in SMARCE1 are known to cause neurodevelopmental disorders; however, such associations with increased risk of meningiomas are exceedingly rare (Kosho T et al. Am J Med Genet C Semin Med Genet. 2014 Sep;166C(3):262-75; Smith JM et al. Nat Genet. 2013 Mar;45(3):295-8). Based on the supporting evidence, the association of this alteration with an increased risk of Coffin-Siris syndrome is unknown; however, the association of this alteration with meningiomas is unlikely.

NM_003079.5(SMARCE1):c.783A>T (p.Glu261Asp)

Gene: SMARCE1 (SWI/SNF related BAF chromatin remodeling complex subunit E1; minus strand). Cytogenetic location: 17q21.2.
Variant type: single nucleotide variant.
Coding change: c.783A>T on transcript NM_003079.5 (MANE Select); coding-DNA position 783, A replaced by T.
Protein change: p.Glu261Asp; replaces glutamic acid 261 with aspartic acid.
Molecular consequence: missense variant.
Genome position (GRCh38, 1-based): chr17:40,631,625, T>A on the plus strand (A>T on the coding strand, the complement: SMARCE1 is on the minus strand). VCF-style: chr17-40631625-T-A. GRCh37 (hg19) VCF-style: chr17-38787877-T-A.
Other names: short protein forms E261D.
Identifiers: ClinVar variation 1062970 (VCV001062970.12), dbSNP rs2143986944, ClinGen allele CA399364285.